The following is an entry in ClinVar:

NM_001376.5(DYNC1H1):c.4541A>G (p.Lys1514Arg)

Gene: DYNC1H1 (dynein cytoplasmic 1 heavy chain 1; plus strand). Cytogenetic location: 14q32.31.
Variant type: single nucleotide variant.
Coding change: c.4541A>G on transcript NM_001376.5 (MANE Select); coding-DNA position 4541, A replaced by G.
Protein change: p.Lys1514Arg; replaces lysine 1514 with arginine.
Molecular consequence: missense variant.
Genome position (GRCh38, 1-based): chr14:102,001,680, A>G. VCF-style: chr14-102001680-A-G. GRCh37 (hg19) VCF-style: chr14-102468017-A-G.
Other names: short protein forms K1514R.
Identifiers: ClinVar variation 4720540 (VCV004720540.1).
Genomic context (GRCh38, chr14:102,001,680, plus strand): 5'-TCAACAAGGTCAAAGAACACATCAACAGCGTCTCGGCCATGAAGCTCTCTCCGTATTACA[A>G]GGTGCTGTTGCTGGGGAAGCTTTCCCTCCCCACCAGTGGTCTCCCACGCTTTCACTGTAA-3'
Protein context (NP_001367.2, residues 1504-1524): VSAMKLSPYY[Lys1514Arg]VFEEDALSWE

ClinVar aggregate classification (germline): Uncertain significance (1 of 4 stars; one submission).

Conditions:
Charcot-Marie-Tooth disease axonal type 2O. Also called: CHARCOT-MARIE-TOOTH NEUROPATHY, AXONAL, TYPE 2O; CHARCOT-MARIE-TOOTH DISEASE, AXONAL, AUTOSOMAL DOMINANT, TYPE 2O; Charcot-Marie-Tooth Neuropathy Type 2O; Charcot-Marie-Tooth disease, axonal, type 20. Identifiers: Orphanet 284232, MedGen C3280220, MONDO:0013644, OMIM 614228.

Submission:

Labcorp Genetics (formerly Invitae), Labcorp
Classification: Uncertain significance for Charcot-Marie-Tooth disease axonal type 2O. Last evaluated: 2025-06-01. Review status: criteria provided, single submitter. Criteria: Invitae Variant Classification Sherloc (09022015). Collection method: clinical testing. Allele origin: germline.
Comment: This sequence change replaces lysine, which is basic and polar, with arginine, which is basic and polar, at codon 1514 of the DYNC1H1 protein (p.Lys1514Arg). This variant is not present in population databases (gnomAD no frequency). This variant has not been reported in the literature in individuals affected with DYNC1H1-related conditions. An algorithm developed to predict the effect of missense changes on protein structure and function (PolyPhen-2) suggests that this variant is likely to be disruptive. Algorithms developed to predict the effect of sequence changes on RNA splicing suggest that this variant may disrupt the consensus splice site. In summary, the available evidence is currently insufficient to determine the role of this variant in disease. Therefore, it has been classified as a Variant of Uncertain Significance.